The following is an entry in ClinVar:

ClinVar aggregate classification (germline): Uncertain significance (1 of 4 stars; one submission).

Submission:

Ambry Genetics
Classification: Uncertain significance. Last evaluated: 2026-08-20. Review status: criteria provided, single submitter. Criteria: Ambry Variant Classification Scheme 2023. Collection method: clinical testing. Allele origin: germline.
Comment: The p.Q428R variant (also known as c.1283A>G), located in coding exon 7 of the PALLD gene, results from an A to G substitution at nucleotide position 1283. The glutamine at codon 428 is replaced by arginine, an amino acid with highly similar properties. This amino acid position is conserved. In addition, this alteration is predicted to be deleterious by in silico analysis. Based on the available evidence, the clinical significance of this variant remains unclear.

NM_001166108.2(PALLD):c.2795A>G (p.Gln932Arg)

Genes: CBR4 (carbonyl reductase 4; minus strand), PALLD (palladin, cytoskeletal associated protein; plus strand). Cytogenetic location: 4q32.3.
Variant type: single nucleotide variant.
Coding change: c.2795A>G on transcript NM_001166108.2 (MANE Select); coding-DNA position 2795, A replaced by G.
Protein change: p.Gln932Arg; replaces glutamine 932 with arginine.
Molecular consequence: missense variant.
Genome position (GRCh38, 1-based): chr4:168,915,972, A>G. VCF-style: chr4-168915972-A-G. GRCh37 (hg19) VCF-style: chr4-169837123-A-G.
Other names: c.1598A>G, p.Gln533Arg (NM_001166109.2); c.1283A>G, p.Gln428Arg (NM_001166110.2); c.623A>G, p.Gln208Arg (NM_001367567.1, NM_001367569.1); c.674A>G, p.Gln225Arg (NM_001367568.1, NM_001367570.1); c.2744A>G, p.Gln915Arg (NM_016081.4); short protein forms Q533R, Q932R, Q428R, Q915R, Q208R, Q225R.
Identifiers: ClinVar variation 5026246 (VCV005026246.1).
Genomic context (GRCh38, chr4:168,915,972, plus strand): 5'-GGGACAGTGGAGACGAAAATGAACCAATTCAGGAGCGATTCTTCAGACCTCACTTCTTGC[A>G]GGCTCCTGGAGATCTGACTGTTCAAGAAGGAAAACTCTGCAGAATGGACTGCAAAGTAAG-3'
Protein context (NP_001159580.1, residues 922-942): QERFFRPHFL[Gln932Arg]APGDLTVQEG